The following is an entry in ClinVar:

ClinVar aggregate classification (germline): Uncertain significance. Review status: criteria provided, multiple submitters, no conflicts (2 of 4 stars). 5 submissions from 5 submitters: Uncertain significance (5). Last evaluated 2026-08-31.

Conditions:
RNASEH2A-related disorder. Also called: RNASEH2A-related condition.
Aicardi-Goutieres syndrome 4. Identifiers: Orphanet 51, MedGen C1835912, MONDO:0012472, OMIM 610333.

Allele frequency attached by ClinVar (database versions not stated): gnomAD exomes 0.00005 and 0.00012; ExAC 0.00014; TOPMed 0.00037; gnomAD 0.00039 and 0.00041; 1000 Genomes Project 30x 0.00109; 1000 Genomes Project 0.00140.
gnomAD v4.1: 137 of 1,614,198 alleles (0.0085%); highest among the groups gnomAD compares: African/African-American, 0.14%; no homozygotes.

Submissions (5):

PreventionGenetics, part of Exact Sciences
Classification: Uncertain significance for RNASEH2A-related condition. Last evaluated: 2026-08-31. Review status: criteria provided, single submitter. Criteria: ACMG Guidelines, 2015. Collection method: clinical testing. Allele origin: germline.
Comment: The RNASEH2A c.374T>C variant is predicted to result in the amino acid substitution p.Ile125Thr. To our knowledge, this variant has not been reported in the literature. This variant is reported in 0.12% of alleles in individuals of African descent in gnomAD. Although we suspect that this variant may be benign, at this time, the clinical significance of this variant is uncertain due to the absence of conclusive functional and genetic evidence.

Women's Health and Genetics/Laboratory Corporation of America, LabCorp
Classification: Uncertain significance. Last evaluated: 2025-11-26. Review status: criteria provided, single submitter. Criteria: LabCorp Variant Classification Summary - May 2015. Collection method: clinical testing. Allele origin: germline.
Comment: Variant summary: RNASEH2A c.374T>C (p.Ile125Thr) results in a non-conservative amino acid change in the encoded protein sequence. Algorithms developed to predict the effect of missense changes on protein structure and function all suggest that this variant is likely to be disruptive. The variant allele was found at a frequency of 0.00012 in 251490 control chromosomes, predominantly at a frequency of 0.0015 within the African or African-American subpopulation in the gnomAD database. This frequency is not significantly higher than estimated for disease-causing variants in RNASEH2A, allowing no conclusion about variant significance. To our knowledge, no occurrence of c.374T>C in individuals affected with RNASEH2A-related conditions and no experimental evidence demonstrating its impact on protein function have been reported. ClinVar contains an entry for this variant (Variation ID: 582581). Based on the evidence outlined above, the variant was classified as uncertain significance.

GeneDx
Classification: Uncertain significance. Last evaluated: 2025-08-02. Review status: criteria provided, single submitter. Criteria: GeneDx Variant Classification Process June 2021. Collection method: clinical testing. Allele origin: germline. Affected: yes.
Comment: In silico analysis supports that this missense variant has a deleterious effect on protein structure/function; Has not been previously published as pathogenic or benign to our knowledge

Labcorp Genetics (formerly Invitae), Labcorp
Classification: Uncertain significance for Aicardi-Goutieres syndrome 4. Last evaluated: 2022-09-01. Review status: criteria provided, single submitter. Criteria: Invitae Variant Classification Sherloc (09022015). Collection method: clinical testing. Allele origin: germline.
Comment: This sequence change replaces isoleucine, which is neutral and non-polar, with threonine, which is neutral and polar, at codon 125 of the RNASEH2A protein (p.Ile125Thr). This variant is present in population databases (rs150008398, gnomAD 0.1%). This variant has not been reported in the literature in individuals affected with RNASEH2A-related conditions. ClinVar contains an entry for this variant (Variation ID: 582581). Algorithms developed to predict the effect of missense changes on protein structure and function (SIFT, PolyPhen-2, Align-GVGD) all suggest that this variant is likely to be disruptive. In summary, the available evidence is currently insufficient to determine the role of this variant in disease. Therefore, it has been classified as a Variant of Uncertain Significance.

Fulgent Genetics
Classification: Uncertain significance for Aicardi-Goutieres syndrome 4. Last evaluated: 2021-12-15. Review status: criteria provided, single submitter. Criteria: ACMG Guidelines, 2015. Collection method: clinical testing. Allele origin: unknown.

NM_006397.3(RNASEH2A):c.374T>C (p.Ile125Thr)

Gene: RNASEH2A (ribonuclease H2 subunit A; plus strand). Cytogenetic location: 19p13.13.
Variant type: single nucleotide variant.
Coding change: c.374T>C on transcript NM_006397.3 (MANE Select); coding-DNA position 374, T replaced by C.
Protein change: p.Ile125Thr; replaces isoleucine 125 with threonine.
Molecular consequence: missense variant.
Genome position (GRCh38, 1-based): chr19:12,807,469, T>C. VCF-style: chr19-12807469-T-C. GRCh37 (hg19) VCF-style: chr19-12918283-T-C.
Other names: short protein forms I125T.
Identifiers: ClinVar variation 582581 (VCV000582581.8), dbSNP rs150008398, ClinGen allele CA9231866.